The following is an entry in ClinVar:

ClinVar aggregate classification (germline): Uncertain significance (1 of 4 stars; one submission).

Submission:

GeneDx
Classification: Uncertain significance. Last evaluated: 2020-02-16. Review status: criteria provided, single submitter. Criteria: GeneDx Variant Classification Process June 2021. Collection method: clinical testing. Allele origin: germline. Affected: yes.
Comment: Not observed at a significant frequency in large population cohorts (Lek et al., 2016); In silico analysis supports that this missense variant does not alter protein structure/function; Has not been previously published as pathogenic or benign to our knowledge; In-silico analysis, which includes splice predictors and evolutionary conservation, is inconclusive as to whether the variant alters gene splicing. In the absence of RNA/functional studies, the actual effect of this sequence change is unknown.

NM_015047.3(EMC1):c.1343C>G (p.Ser448Cys)

Genes: EMC1 (ER membrane protein complex subunit 1; minus strand), EMC1-AS1 (EMC1 antisense RNA 1; plus strand). Cytogenetic location: 1p36.13.
Variant type: single nucleotide variant.
Coding change: c.1343C>G on transcript NM_015047.3 (MANE Select); coding-DNA position 1343, C replaced by G.
Protein change: p.Ser448Cys; replaces serine 448 with cysteine.
Molecular consequence: missense variant.
Genome position (GRCh38, 1-based): chr1:19,235,219, G>C on the plus strand (C>G on the coding strand, the complement: EMC1 is on the minus strand). VCF-style: chr1-19235219-G-C. GRCh37 (hg19) VCF-style: chr1-19561713-G-C.
Other names: c.1277C>G, p.Ser426Cys (NM_001271429.2); c.1343C>G, p.Ser448Cys (NM_001375820.1); c.1340C>G, p.Ser447Cys (NM_001375821.1, NM_001271427.2, NM_001271428.2); short protein forms S426C, S447C, S448C.
Identifiers: ClinVar variation 1315286 (VCV001315286.2), dbSNP rs2151952203, ClinGen allele CA338764251.